The following is an entry in ClinVar:

ClinVar aggregate classification (germline): Uncertain significance (1 of 4 stars; one submission).

Conditions:
Primary dilated cardiomyopathy (DCM). Also called: Dilated Cardiomyopathy. Identifiers: Orphanet 217604, MedGen C0007193, MeSH D002311, MONDO:0005021, HP:0001644. Inheritance: Various modes of inheritance.

Submission:

Labcorp Genetics (formerly Invitae), Labcorp
Classification: Uncertain significance for Primary dilated cardiomyopathy. Last evaluated: 2023-04-09. Review status: criteria provided, single submitter. Criteria: Invitae Variant Classification Sherloc (09022015). Collection method: clinical testing. Allele origin: germline.
Comment: This variant has not been reported in the literature in individuals affected with TXNRD2-related conditions. This sequence change replaces isoleucine, which is neutral and non-polar, with valine, which is neutral and non-polar, at codon 251 of the TXNRD2 protein (p.Ile251Val). This variant is not present in population databases (gnomAD no frequency). Advanced modeling of protein sequence and biophysical properties (such as structural, functional, and spatial information, amino acid conservation, physicochemical variation, residue mobility, and thermodynamic stability) performed at Invitae indicates that this missense variant is not expected to disrupt TXNRD2 protein function. In summary, the available evidence is currently insufficient to determine the role of this variant in disease. Therefore, it has been classified as a Variant of Uncertain Significance.

NM_006440.5(TXNRD2):c.751A>G (p.Ile251Val)

Gene: TXNRD2 (thioredoxin reductase 2; minus strand). Cytogenetic location: 22q11.21.
Variant type: single nucleotide variant.
Coding change: c.751A>G on transcript NM_006440.5 (MANE Select); coding-DNA position 751, A replaced by G.
Protein change: p.Ile251Val; replaces isoleucine 251 with valine.
Molecular consequence: missense variant. On other transcripts: non-coding transcript variant (1).
Genome position (GRCh38, 1-based): chr22:19,898,062, T>C on the plus strand (A>G on the coding strand, the complement: TXNRD2 is on the minus strand). VCF-style: chr22-19898062-T-C. GRCh37 (hg19) VCF-style: chr22-19885585-T-C.
Other names: c.751A>G, p.Ile251Val (NM_001282512.3); c.748A>G, p.Ile250Val (NM_001352300.2); c.661A>G, p.Ile221Val (NM_001352301.2); c.463A>G, p.Ile155Val (NM_001352302.2); c.655A>G, p.Ile219Val (NM_001352303.2); short protein forms I221V, I251V, I155V, I219V, I250V.
Identifiers: ClinVar variation 2854180 (VCV002854180.3), dbSNP rs966662412, ClinGen allele CA322099857.